The following is an entry in ClinVar:

NM_001374828.1(ARID1B):c.1303GGC[5] (p.Gly440del)

Gene: ARID1B (AT-rich interaction domain 1B; plus strand). Cytogenetic location: 6q25.3.
Variant type: Microsatellite.
Coding change: c.1303GGC[5] on transcript NM_001374828.1 (MANE Select); five copies in a row of the 3-base unit GGC starting at c.1303; the reference has six copies in a row; one copy, 3 bases deleted.
Protein change: p.Gly440del; deletes glycine 440.
Molecular consequence: inframe deletion.
Genome position (GRCh38, 1-based): chr6:156,778,998-156,779,000, GGC deleted; deleting any 3 consecutive bases within chr6:156,778,983-156,779,000 gives the same sequence; the position shown is the placement nearest the transcript's 3' end. VCF-style (leftmost placement, unchanged base first): chr6-156778982-AGGC-A. GRCh37 (hg19) VCF-style: chr6-157100116-AGGC-A.
Other names: c.1303GGC[5], p.Gly440del (NM_001371656.1, NM_001374820.1, NM_017519.3); c.1069_1071delGGC (NM_020732.3); short protein forms G440del.
Identifiers: ClinVar variation 210266 (VCV000210266.67), dbSNP rs797045268, ClinGen allele CA248830.
Genomic context (GRCh38, chr6:156,778,982, plus strand): 5'-AGGAGGAGCAGGAGCGGGAGCTGTGGCGGCGGCGGCCGCGGCGGCGGCGGCAGCAGCAGG[AGGC>A]GGCGGCGGCGGCGGCTATGGGGGCTCGTCCGCGGGGTACGGGGTGCTGAGCTCCCCCCGG-3'

ClinVar aggregate classification (germline): Conflicting classifications of pathogenicity. Review status: criteria provided, conflicting classifications (1 of 4 stars). 9 submissions from 9 submitters: Uncertain significance (1); Benign (2); Likely benign (4). 2 of the submissions do not count toward it. Last evaluated 2026-03-01.

Conditions:
Inborn genetic diseases. Identifiers: MedGen C0950123, MeSH D030342.

Submissions (9):

CeGaT Center for Human Genetics Tuebingen
Classification: Benign. Last evaluated: 2026-03-01. Review status: criteria provided, single submitter. Criteria: CeGaT Center For Human Genetics Tuebingen Variant Classification Criteria Version 2. Collection method: clinical testing. Allele origin: germline. Affected: yes. Observed: 3 variant alleles.
Comment: ARID1B: BS1, BS2

Labcorp Genetics (formerly Invitae), Labcorp
Classification: Likely benign. Last evaluated: 2026-01-21. Review status: criteria provided, single submitter. Criteria: Invitae Variant Classification Sherloc (09022015). Collection method: clinical testing. Allele origin: germline.

Blueprint Genetics
Classification: Likely benign. Last evaluated: 2024-06-25. Review status: criteria provided, single submitter. Criteria: ACMG Guidelines, 2015. Collection method: clinical testing. Allele origin: germline.

GeneDx
Classification: Benign. Last evaluated: 2020-02-06. Review status: criteria provided, single submitter. Criteria: GeneDx Variant Classification Process June 2021. Collection method: clinical testing. Allele origin: germline. Affected: yes.

Ambry Genetics
Classification: Likely benign for Inborn genetic diseases. Last evaluated: 2018-07-14. Review status: criteria provided, single submitter. Criteria: Ambry Variant Classification Scheme 2023. Collection method: clinical testing. Allele origin: germline.

Genomic Diagnostic Laboratory, Division of Genomic Diagnostics, Children's Hospital of Philadelphia
Classification: Uncertain significance. Last evaluated: 2015-07-21. Review status: criteria provided, single submitter. Criteria: DGD Variant Analysis Guidelines. Collection method: clinical testing. Allele origin: unknown.

Genetic Services Laboratory, University of Chicago
Classification: Likely benign. Last evaluated: 2015-04-24. Review status: criteria provided, single submitter. Criteria: ACMG Guidelines, 2015. Collection method: clinical testing. Allele origin: germline.

Clinical Genetics DNA and cytogenetics Diagnostics Lab, Erasmus MC, Erasmus Medical Center
Classification: Likely benign. Review status: no assertion criteria provided. Collection method: clinical testing. Allele origin: germline. Affected: yes. Study: VKGL Data-share Consensus. Not counted in ClinVar's aggregate classification.

Laboratory of Diagnostic Genome Analysis, Leiden University Medical Center (LUMC)
Classification: Likely benign. Review status: no assertion criteria provided. Collection method: clinical testing. Allele origin: germline. Affected: yes. Study: VKGL Data-share Consensus. Not counted in ClinVar's aggregate classification.